The following is an entry in ClinVar:

ClinVar aggregate classification (germline): Uncertain significance (1 of 4 stars; one submission).

Conditions:
Emery-Dreifuss muscular dystrophy 4, autosomal dominant (EDMD4). Also called: EMERY-DREIFUSS MUSCULAR DYSTROPHY 4 WITH VARIABLE FEATURES. Identifiers: Orphanet 261, MedGen C2751807, MONDO:0013071, OMIM 612998.
Autosomal recessive ataxia, Beauce type. Also called: SYNE1 Deficiency; Spinocerebellar ataxia, autosomal recessive 8; ATAXIA, RECESSIVE, OF BEAUCE; SYNE1-Related Autosomal Recessive Cerebellar Ataxia. Identifiers: Orphanet 88644, MedGen C1853116, MONDO:0012549, OMIM 610743.

Allele frequency attached by ClinVar (database versions not stated): TOPMed below 0.00001.

Submission:

Labcorp Genetics (formerly Invitae), Labcorp
Classification: Uncertain significance for Emery-Dreifuss muscular dystrophy 4, autosomal dominant; Autosomal recessive ataxia, Beauce type. Last evaluated: 2022-02-17. Review status: criteria provided, single submitter. Criteria: Invitae Variant Classification Sherloc (09022015). Collection method: clinical testing. Allele origin: germline.
Comment: This variant is not present in population databases (gnomAD no frequency). This sequence change replaces alanine, which is neutral and non-polar, with valine, which is neutral and non-polar, at codon 3532 of the SYNE1 protein (p.Ala3532Val). This variant has not been reported in the literature in individuals affected with SYNE1-related conditions. Algorithms developed to predict the effect of missense changes on protein structure and function are either unavailable or do not agree on the potential impact of this missense change (SIFT: "Deleterious"; PolyPhen-2: "Benign"; Align-GVGD: "Class C0"). In summary, the available evidence is currently insufficient to determine the role of this variant in disease. Therefore, it has been classified as a Variant of Uncertain Significance.

NM_182961.4(SYNE1):c.10574C>T (p.Ala3525Val)

Gene: SYNE1 (spectrin repeat containing nuclear envelope protein 1; minus strand). Cytogenetic location: 6q25.2.
Variant type: single nucleotide variant.
Coding change: c.10574C>T on transcript NM_182961.4 (MANE Select); coding-DNA position 10574, C replaced by T.
Protein change: p.Ala3525Val; replaces alanine 3525 with valine.
Molecular consequence: missense variant.
Genome position (GRCh38, 1-based): chr6:152,358,407, G>A on the plus strand (C>T on the coding strand, the complement: SYNE1 is on the minus strand). VCF-style: chr6-152358407-G-A. GRCh37 (hg19) VCF-style: chr6-152679542-G-A.
Other names: c.10595C>T, p.Ala3532Val (NM_033071.5); short protein forms A3532V, A3525V.
Identifiers: ClinVar variation 1958127 (VCV001958127.5), dbSNP rs2096876141, ClinGen allele CA366127503.